The following is an entry in ClinVar:

NM_001367823.1(ARHGEF18):c.2572C>T (p.Arg858Cys)

Gene: ARHGEF18 (Rho/Rac guanine nucleotide exchange factor 18; plus strand). Cytogenetic location: 19p13.2.
Variant type: single nucleotide variant.
Coding change: c.2572C>T on transcript NM_001367823.1 (MANE Select); coding-DNA position 2572, C replaced by T.
Protein change: p.Arg858Cys; replaces arginine 858 with cysteine.
Molecular consequence: missense variant.
Genome position (GRCh38, 1-based): chr19:7,462,271, C>T. VCF-style: chr19-7462271-C-T. GRCh37 (hg19) VCF-style: chr19-7527157-C-T.
Other names: c.1846C>T, p.Arg616Cys (NM_001130955.2); c.1534C>T, p.Arg512Cys (NM_001367824.1, NM_015318.4); c.2008C>T (NM_001130955.1); short protein forms R512C, R616C, R858C.
Identifiers: ClinVar variation 1053796 (VCV001053796.35), dbSNP rs139068196, ClinGen allele CA9136905.
Genomic context (GRCh38, chr19:7,462,271, plus strand): 5'-TACCTGGAGATGGCCGAGATGGGCGGCCTCGAAGACCTGCCCCAGCCCCGAGGCCTATTC[C>T]GTGGAGGGGACCCATCCGAGACCCTGCAGGGGGAGCTAATTCTCAAGTCGGCCATGAGCG-3'
Protein context (NP_001354752.1, residues 848-868): EDLPQPRGLF[Arg858Cys]GGDPSETLQG

ClinVar aggregate classification (germline): Uncertain significance. Review status: criteria provided, multiple submitters, no conflicts (2 of 4 stars). 4 submissions from 4 submitters: Uncertain significance (4). Last evaluated 2025-08-11.

Conditions:
Inborn genetic diseases. Identifiers: MedGen C0950123, MeSH D030342.

Allele frequency attached by ClinVar (database versions not stated): ExAC 0.00003; gnomAD exomes 0.00003; gnomAD 0.00006 and 0.00007; ESP Exome Variant Server 0.00008; TOPMed 0.00013; 1000 Genomes Project 0.00060; 1000 Genomes Project 30x 0.00062.
gnomAD v4.1: 40 of 1,613,414 alleles (0.0025%); highest among the groups gnomAD compares: African/African-American, 0.036%; no homozygotes.

Submissions (4):

Ambry Genetics
Classification: Uncertain significance for Inborn genetic diseases. Last evaluated: 2025-08-11. Review status: criteria provided, single submitter. Criteria: Ambry Variant Classification Scheme 2023. Collection method: clinical testing. Allele origin: germline.

Labcorp Genetics (formerly Invitae), Labcorp
Classification: Uncertain significance. Last evaluated: 2024-12-02. Review status: criteria provided, single submitter. Criteria: Invitae Variant Classification Sherloc (09022015). Collection method: clinical testing. Allele origin: germline.
Comment: This sequence change replaces arginine, which is basic and polar, with cysteine, which is neutral and slightly polar, at codon 670 of the ARHGEF18 protein (p.Arg670Cys). This variant is present in population databases (rs139068196, gnomAD 0.03%). This variant has not been reported in the literature in individuals affected with ARHGEF18-related conditions. ClinVar contains an entry for this variant (Variation ID: 1053796). An algorithm developed to predict the effect of missense changes on protein structure and function (PolyPhen-2) suggests that this variant¬†is likely to be tolerated. In summary, the available evidence is currently insufficient to determine the role of this variant in disease. Therefore, it has been classified as a Variant of Uncertain Significance.

CeGaT Center for Human Genetics Tuebingen
Classification: Uncertain significance. Last evaluated: 2023-08-01. Review status: criteria provided, single submitter. Criteria: CeGaT Center For Human Genetics Tuebingen Variant Classification Criteria Version 2. Collection method: clinical testing. Allele origin: germline. Affected: yes. Observed: 1 variant allele.
Comment: ARHGEF18: PM2, BP4

Blueprint Genetics
Classification: Uncertain significance. Last evaluated: 2023-01-04. Review status: criteria provided, single submitter. Criteria: ACMG Guidelines, 2015. Collection method: clinical testing. Allele origin: germline.